The following is an entry in ClinVar:

ClinVar aggregate classification (germline): Pathogenic. Review status: criteria provided, multiple submitters, no conflicts (2 of 4 stars). 10 submissions from 10 submitters: Pathogenic (8). 2 of the submissions do not count toward it. Last evaluated 2026-01-19.

Conditions:
Ehlers-Danlos syndrome, spondylodysplastic type, 1 (EDSSPD1). Also called: Ehlers-Danlos syndrome progeroid type; DERMATAN SULFATE PROTEOGLYCAN; EHLERS-DANLOS SYNDROME, PROGEROID TYPE, 1; GALACTOSYLTRANSFERASE I DEFICIENCY; PDS, DEFECTIVE BIOSYNTHESIS OF; XGPT DEFICIENCY. Identifiers: Orphanet 75496, MedGen C4552003, MONDO:0020682, OMIM 130070.
Lethal skeletal dysplasia. Identifiers: MedGen C4021626, HP:0005716.
Larsen-like syndrome, B3GAT3 type. Also called: MULTIPLE JOINT DISLOCATIONS, SHORT STATURE, AND CRANIOFACIAL DYSMORPHISM WITH OR WITHOUT CONGENITAL HEART DEFECTS; Multiple joint dislocations, short stature, craniofacial dysmorphism, with or without congenital heart defects. Identifiers: Orphanet 284139, MedGen CN034159, MONDO:0009511, OMIM 245600.
Spondylodysplastic Ehlers-Danlos syndrome. Identifiers: Orphanet 536471, Orphanet 75496, MedGen C5680154, MONDO:0007526.

Allele frequency attached by ClinVar (database versions not stated): 1000 Genomes Project below 0.00001; gnomAD exomes 0.00005; TOPMed 0.00006; ExAC 0.00007; gnomAD 0.00008 and 0.00009; 1000 Genomes Project 30x 0.00031.
gnomAD v4.1: 216 of 1,612,206 alleles (0.013%); highest among the groups gnomAD compares: Non-Finnish European, 0.017%; no homozygotes.

Submissions (10):

Women's Health and Genetics/Laboratory Corporation of America, LabCorp
Classification: Pathogenic for Spondylodysplastic Ehlers-Danlos syndrome. Last evaluated: 2026-01-19. Review status: criteria provided, single submitter. Criteria: LabCorp Variant Classification Summary - May 2015. Collection method: clinical testing. Allele origin: germline.
Comment: Variant summary: B4GALT7 c.808C>T (p.Arg270Cys) results in a non-conservative amino acid change in the encoded protein sequence. Algorithms developed to predict the effect of missense changes on protein structure and function are either unavailable or do not agree on the potential impact of this missense change. The variant allele was found at a frequency of 4.8e-05 in 249168 control chromosomes (gnomAD). This frequency is not significantly higher than estimated for disease-causing variants in B4GALT7, allowing no conclusion about variant significance. c.808C>T has been observed in multiple individuals affected with Ehlers-Danlos syndrome or Larsen of Reunion Island Syndrome (Faiyaz-Ul-Haque_2004, Cartault_2014). These data indicate that the variant is very likely to be associated with disease. At least two publications report experimental evidence evaluating an impact on protein function and this variant affects B4GALT7 protein function (Bui_2010, Rahuel-Clermont_2010). ClinVar contains an entry for this variant (Variation ID: 5613). Based on the evidence outlined above, the variant was classified as pathogenic.

Labcorp Genetics (formerly Invitae), Labcorp
Classification: Pathogenic for Spondylodysplastic Ehlers-Danlos syndrome. Last evaluated: 2025-12-14. Review status: criteria provided, single submitter. Criteria: Invitae Variant Classification Sherloc (09022015). Collection method: clinical testing. Allele origin: germline.
Comment: This sequence change replaces arginine, which is basic and polar, with cysteine, which is neutral and slightly polar, at codon 270 of the B4GALT7 protein (p.Arg270Cys). This variant is present in population databases (rs28937869, gnomAD 0.01%). This missense change has been observed in individuals with B4GALT7-related conditions (PMID: 15211654, 24755949, 25533962, 31278392). It has also been observed to segregate with disease in related individuals. ClinVar contains an entry for this variant (Variation ID: 5613). Invitae Evidence Modeling of protein sequence and biophysical properties (such as structural, functional, and spatial information, amino acid conservation, physicochemical variation, residue mobility, and thermodynamic stability) has been performed for this missense variant. However, the output from this modeling did not meet the statistical confidence thresholds required to predict the impact of this variant on B4GALT7 protein function. Experimental studies have shown that this missense change affects B4GALT7 function (PMID: 20691685, 20809901, 31278392). For these reasons, this variant has been classified as Pathogenic.

Dasa
Classification: Pathogenic. Last evaluated: 2025-02-20. Review status: criteria provided, single submitter. Criteria: DASA Assertion Criteria. Collection method: clinical testing. Allele origin: germline.
Comment: NM_007255.3(B4GALT7):c.808C>T (p.Arg270Cys) introduces an arginine-to-cysteine substitution. Functional studies support a damaging effect on protein function (PMIDs: 20691685, 20809901, 31278392). The variant has been recurrently observed in individuals with spondylodysplastic Ehlers-Danlos syndrome (PMIDs: 15211654, 24755949, 25533962, 29931299, 31278392) and is present at low frequency in population datasets. Based on the available data, this variant is classified as pathogenic.

Fulgent Genetics
Classification: Pathogenic for Ehlers-Danlos syndrome, spondylodysplastic type, 1. Last evaluated: 2024-06-18. Review status: criteria provided, single submitter. Criteria: ACMG Guidelines, 2015. Collection method: clinical testing. Allele origin: germline.

GeneDx
Classification: Pathogenic. Last evaluated: 2022-12-22. Review status: criteria provided, single submitter. Criteria: GeneDx Variant Classification Process June 2021. Collection method: clinical testing. Allele origin: germline. Affected: yes.
Comment: Published functional studies showed reduction of galactosyltransferase activity which results in reduction of glycosaminoglycans synthesis (Bui et al., 2010; Rahuel-Clermont et al., 2010; Mihalic Mosher et al., 2019); In silico analysis supports that this missense variant has a deleterious effect on protein structure/function; Not observed at significant frequency in large population cohorts (gnomAD); This variant is associated with the following publications: (PMID: 28346368, 28882145, 24970356, 30914273, 20809901, 15211654, 20691685, 23956117, 25533962, 24755949, 26940150, 28306225, 28229453, 31614862, 31862401, 31278392, 18158310, 31589614)

Foundation for Research in Genetics and Endocrinology, FRIGE's Institute of Human Genetics
Classification: Pathogenic for Ehlers-Danlos syndrome, spondylodysplastic type, 1. Last evaluated: 2020-08-01. Review status: criteria provided, single submitter. Criteria: ACMG Guidelines, 2015. Collection method: clinical testing. Allele origin: germline. Inheritance: Autosomal recessive inheritance. Affected: yes. Observed: 1 homozygote.
Comment: A homozygous missense variation in exon 5 of the B4GALT7 gene that results in the amino acid substitution of Cysteine for Arginine at codon 270 was detected. The variant previously been detected in patients affected with Ehlers-Danlos syndrome (Jaenken et al 2017). The variant c.808C>T (p.Arg270Cys) has not been reported in the 1000 genomes database and has a minor allele frequency of 0.005% in the gnomAD database. The in silico prediction of the variant are possibly damaging by PolyPhen-2 (HumDiv) and damaging by SIFT, LRT and MutationTaster2. The reference codon is conserved across species. The observed variation has previously been reported in patients affected with Ehlers-Danlos Syndrome and is one of the most prevalent variants.

Institute for Genomic Medicine, Nationwide Children's Hospital
Classification: Pathogenic for Lethal skeletal dysplasia. Last evaluated: 2019-05-23. Review status: criteria provided, single submitter. Criteria: ACMG Guidelines, 2015. Collection method: research. Allele origin: maternal. Inheritance: Autosomal recessive inheritance. Affected: yes.
Comment: This variant has been observed in 13 out of 122,110 gnomAD individuals (13 heterozygotes, MAF=0.00005323), making it extremely rare. It is a known pathogenic variant previously associated with Larsen syndrome of Reunion Island, and is predicted to be damaging by a majority of in silico tools. In vitro enzyme assays confirmed a reduced level of enzyme activity for this variant.

CeGaT Center for Human Genetics Tuebingen
Classification: Pathogenic. Last evaluated: 2017-05-01. Review status: criteria provided, single submitter. Criteria: CeGaT Center For Human Genetics Tuebingen Variant Classification Criteria Version 2. Collection method: clinical testing. Allele origin: germline. Affected: yes. Observed: 1 variant allele.

Genomic Medicine Center of Excellence, King Faisal Specialist Hospital and Research Centre
Classification: Likely pathogenic for Larsen-like syndrome, B3GAT3 type. Last evaluated: 2016-11-01. Review status: no assertion criteria provided. Collection method: literature only. Allele origin: inherited. Inheritance: Autosomal recessive inheritance. Affected: yes. Observed: 1 variant allele, 1 homozygote. Not counted in ClinVar's aggregate classification.
Comment: Clinical exome sequencing revealed NM_007255.1:c.808C>T:p.R270C (NC_000005.9:g.177035995C>T), the same published variant (PMID: 24755949) that causes autosomal recessive Larsen syndrome, so we believe this is a likely pathogenic variant.

OMIM
Classification: Pathogenic for EHLERS-DANLOS SYNDROME, SPONDYLODYSPLASTIC TYPE, 1. Last evaluated: 2015-01-01. Review status: no assertion criteria provided. Collection method: literature only. Allele origin: germline. Not counted in ClinVar's aggregate classification.

Literature cited by the submitters: PubMed 20691685 (cited by 3 submitters); PubMed 20809901 (cited by 3 submitters); PubMed 24755949 (cited by 5 submitters); PubMed 15211654 (cited by 4 submitters); PubMed 25533962 (cited by Labcorp Genetics (formerly Invitae), Labcorp and Dasa); PubMed 31278392 (cited by 3 submitters); PubMed 29931299 (cited by Dasa); PubMed 23956117 (cited by OMIM); PubMed 1221956 (cited by OMIM); PubMed 1640425 (cited by OMIM); PubMed 26940150 (cited by OMIM); PubMed 18158310 (cited by OMIM).

NM_007255.3(B4GALT7):c.808C>T (p.Arg270Cys)

Gene: B4GALT7 (beta-1,4-galactosyltransferase 7; plus strand). Cytogenetic location: 5q35.3.
Variant type: single nucleotide variant.
Coding change: c.808C>T on transcript NM_007255.3 (MANE Select); coding-DNA position 808, C replaced by T.
Protein change: p.Arg270Cys; replaces arginine 270 with cysteine.
Molecular consequence: missense variant.
Genome position (GRCh38, 1-based): chr5:177,608,994, C>T. VCF-style: chr5-177608994-C-T. GRCh37 (hg19) VCF-style: chr5-177035995-C-T.
Other names: B4GALT7, ARG270CYS (rs28937869); short protein forms R270C.
Identifiers: ClinVar variation 5613 (VCV000005613.57), dbSNP rs28937869, ClinGen allele CA117648.